The following is an entry in ClinVar:

NM_003124.5(SPR):c.143G>A (p.Arg48His)

Genes: SPR (sepiapterin reductase; plus strand), LOC129934069 (ATAC-STARR-seq lymphoblastoid silent region 11626; plus strand). Cytogenetic location: 2p13.2.
Variant type: single nucleotide variant.
Coding change: c.143G>A on transcript NM_003124.5 (MANE Select); coding-DNA position 143, G replaced by A.
Protein change: p.Arg48His; replaces arginine 48 with histidine.
Molecular consequence: missense variant.
Genome position (GRCh38, 1-based): chr2:72,887,575, G>A. VCF-style: chr2-72887575-G-A. GRCh37 (hg19) VCF-style: chr2-73114704-G-A.
Other names: short protein forms R48H.
Identifiers: ClinVar variation 4823462 (VCV004823462.4).
Genomic context (GRCh38, chr2:72,887,575, plus strand): 5'-CCTCGCTGCTGTCGCCCGGCTCCGTGCTTGTCCTTAGCGCCCGCAACGACGAGGCACTGC[G>A]CCAGCTGGAGGCCGAGCTGGGCGCCGAGCGGTCTGGCCTGCGCGTGGTGCGGGTGCCCGC-3'
Protein context (NP_003115.1, residues 38-58): VLSARNDEAL[Arg48His]QLEAELGAER

ClinVar aggregate classification (germline): Uncertain significance (1 of 4 stars; one submission).

Submission:

CeGaT Center for Human Genetics Tuebingen
Classification: Uncertain significance. Last evaluated: 2026-02-01. Review status: criteria provided, single submitter. Criteria: CeGaT Center For Human Genetics Tuebingen Variant Classification Criteria Version 2. Collection method: clinical testing. Allele origin: germline. Affected: yes. Observed: 1 variant allele.
Comment: SPR: PM2